The following is an entry in ClinVar:

NM_001851.6(COL9A1):c.455C>G (p.Ser152Cys)

Gene: COL9A1 (collagen type IX alpha 1 chain; minus strand). Cytogenetic location: 6q13.
Variant type: single nucleotide variant.
Coding change: c.455C>G on transcript NM_001851.6 (MANE Select); coding-DNA position 455, C replaced by G.
Protein change: p.Ser152Cys; replaces serine 152 with cysteine.
Molecular consequence: missense variant.
Genome position (GRCh38, 1-based): chr6:70,294,408, G>C on the plus strand (C>G on the coding strand, the complement: COL9A1 is on the minus strand). VCF-style: chr6-70294408-G-C. GRCh37 (hg19) VCF-style: chr6-71004111-G-C.
Other names: c.455C>G, p.Ser152Cys (NM_001377291.1); short protein forms S152C.
Identifiers: ClinVar variation 5018340 (VCV005018340.1).

ClinVar aggregate classification (germline): Uncertain significance (1 of 4 stars; one submission).

Submission:

GeneDx
Classification: Uncertain significance. Last evaluated: 2026-04-08. Review status: criteria provided, single submitter. Criteria: GeneDx Variant Classification Process June 2021. Collection method: clinical testing. Allele origin: germline.
Comment: Not observed at significant frequency in large population cohorts (gnomAD); In silico analysis suggests that this missense variant does not alter protein structure/function; Has not been previously published as pathogenic or benign to our knowledge